The following is an entry in ClinVar:

NM_177438.3(DICER1):c.1283A>G (p.Glu428Gly)

Gene: DICER1 (dicer 1, ribonuclease III; minus strand). Cytogenetic location: 14q32.13.
Variant type: single nucleotide variant.
Coding change: c.1283A>G on transcript NM_177438.3 (MANE Select); coding-DNA position 1283, A replaced by G.
Protein change: p.Glu428Gly; replaces glutamic acid 428 with glycine.
Molecular consequence: missense variant. On other transcripts: 5 prime UTR variant (1), non-coding transcript variant (6).
Genome position (GRCh38, 1-based): chr14:95,124,289, T>C on the plus strand (A>G on the coding strand, the complement: DICER1 is on the minus strand). VCF-style: chr14-95124289-T-C. GRCh37 (hg19) VCF-style: chr14-95590626-T-C.
Other names: c.1283A>G, p.Glu428Gly (NM_001195573.1, NM_001271282.3, NM_001291628.2 and 15 more transcripts); c.1001A>G, p.Glu334Gly (NM_001395686.1); c.878A>G, p.Glu293Gly (NM_001395687.1, NM_001395688.1, NM_001395689.1 and 3 more transcripts); c.716A>G, p.Glu239Gly (NM_001395691.1); c.-286A>G (NM_001395697.1); short protein forms E239G, E334G, E428G, E293G.
Identifiers: ClinVar variation 2008540 (VCV002008540.4), dbSNP rs2543173606, ClinGen allele CA390886330.

ClinVar aggregate classification (germline): Uncertain significance (1 of 4 stars; one submission).

Conditions:
DICER1-related tumor predisposition. Also called: DICER1 syndrome; DICER1-related pleuropulmonary blastoma cancer predisposition syndrome. Identifiers: Orphanet 284343, MedGen C3839822, MONDO:0100216.

Submission:

Labcorp Genetics (formerly Invitae), Labcorp
Classification: Uncertain significance for DICER1-related tumor predisposition. Last evaluated: 2022-06-19. Review status: criteria provided, single submitter. Criteria: Invitae Variant Classification Sherloc (09022015). Collection method: clinical testing. Allele origin: germline.
Comment: This sequence change replaces glutamic acid, which is acidic and polar, with glycine, which is neutral and non-polar, at codon 428 of the DICER1 protein (p.Glu428Gly). This variant is not present in population databases (gnomAD no frequency). This variant has not been reported in the literature in individuals affected with DICER1-related conditions. Algorithms developed to predict the effect of missense changes on protein structure and function are either unavailable or do not agree on the potential impact of this missense change (SIFT: "Tolerated"; PolyPhen-2: "Probably Damaging"; Align-GVGD: "Class C0"). In summary, the available evidence is currently insufficient to determine the role of this variant in disease. Therefore, it has been classified as a Variant of Uncertain Significance.